The following is an entry in ClinVar:

ClinVar aggregate classification (germline): Benign/Likely benign. Review status: criteria provided, multiple submitters, no conflicts (2 of 4 stars). 4 submissions from 4 submitters: Benign (1); Likely benign (3). Last evaluated 2026-01-05.

Conditions:
Hereditary cancer-predisposing syndrome. Also called: Tumor predisposition; Hereditary Cancer Syndrome; Hereditary neoplastic syndrome; Neoplastic Syndromes, Hereditary. Identifiers: Orphanet 140162, MedGen C0027672, MeSH D009386, MONDO:0015356.
Hereditary diffuse gastric adenocarcinoma (HDGC). Also called: DIFFUSE GASTRIC AND LOBULAR BREAST CANCER SYNDROME. Identifiers: Orphanet 26106, MedGen C1708349, MONDO:0007648, OMIM 137215.

Allele frequency attached by ClinVar (database versions not stated): gnomAD exomes below 0.00001; gnomAD 0.00001.
gnomAD v4.1: 3 of 1,614,002 alleles (0.00019%); highest among the groups gnomAD compares: African/African-American, 0.0027%; no homozygotes.

Submissions (4):

Labcorp Genetics (formerly Invitae), Labcorp
Classification: Likely benign for Hereditary diffuse gastric adenocarcinoma. Last evaluated: 2026-01-05. Review status: criteria provided, single submitter. Criteria: Invitae Variant Classification Sherloc (09022015). Collection method: clinical testing. Allele origin: germline.

Myriad Genetics, Inc.
Classification: Benign for Hereditary diffuse gastric adenocarcinoma. Last evaluated: 2024-09-19. Review status: criteria provided, single submitter. Criteria: Myriad Autosomal Dominant, Autosomal Recessive and X-Linked Classification Criteria (2023). Collection method: clinical testing. Allele origin: unknown.
Comment: This variant is considered benign. This variant is a silent/synonymous amino acid change and it is not expected to impact splicing.

Women's Health and Genetics/Laboratory Corporation of America, LabCorp
Classification: Likely benign. Last evaluated: 2020-11-27. Review status: criteria provided, single submitter. Criteria: LabCorp Variant Classification Summary - May 2015. Collection method: clinical testing. Allele origin: germline.

Ambry Genetics
Classification: Likely benign for Hereditary cancer-predisposing syndrome. Last evaluated: 2017-03-31. Review status: criteria provided, single submitter. Criteria: Ambry Variant Classification Scheme 2023. Collection method: clinical testing. Allele origin: germline.

NM_004360.5(CDH1):c.1623C>T (p.Ala541=)

Gene: CDH1 (cadherin 1; plus strand). Cytogenetic location: 16q22.1.
Variant type: single nucleotide variant.
Coding change: c.1623C>T on transcript NM_004360.5 (MANE Select); coding-DNA position 1623, C replaced by T.
Protein change: p.Ala541=; no amino-acid change (alanine 541 retained).
Molecular consequence: synonymous variant. On other transcripts: intron variant (1).
Genome position (GRCh38, 1-based): chr16:68,819,337, C>T. VCF-style: chr16-68819337-C-T. GRCh37 (hg19) VCF-style: chr16-68853240-C-T.
Other names: c.1623C>T (LRG_301t1); c.1440C>T, p.Ala480= (NM_001317184.2); c.75C>T, p.Ala25= (NM_001317185.2); c.-254-2664C>T (NM_001317186.2).
Identifiers: ClinVar variation 183790 (VCV000183790.17), dbSNP rs376662384, ClinGen allele CA186498.